The following is an entry in ClinVar:

ClinVar aggregate classification (germline): Pathogenic (1 of 4 stars; one submission).

Conditions:
RPE65-related recessive retinopathy. Also called: Recessive RPE65 retinopathy. Identifiers: MedGen CN305526, MONDO:0100368.

Submission:

Myriad Genetics, Inc.
Classification: Pathogenic for RPE65-related recessive retinopathy. Last evaluated: 2024-05-14. Review status: criteria provided, single submitter. Criteria: Myriad Autosomal Dominant, Autosomal Recessive and X-Linked Classification Criteria (2023). Collection method: clinical testing. Allele origin: unknown.
Comment: NM_000329.2(RPE65):c.71_72ins13(P25Qfs*31) is expected to be pathogenic in the context of inherited retinal dystrophy, RPE65-related. This variant is predicted to lead to an abnormal or absent protein product due to the creation of a premature termination codon in RPE65, a gene where loss-of-function variants are known to be pathogenic. Please note: this variant was assessed in the context of healthy population screening.

NM_000329.3(RPE65):c.71_72insACAGATGTGTATA (p.Pro25fs)

Gene: RPE65 (retinoid isomerohydrolase RPE65; minus strand). Cytogenetic location: 1p31.3.
Variant type: Insertion.
Coding change: c.71_72insACAGATGTGTATA on transcript NM_000329.3 (MANE Select); coding-DNA positions 71 to 72, ACAGATGTGTATA inserted.
Protein change: p.Pro25fs; shifts the reading frame from proline 25.
Molecular consequence: frameshift variant. On other transcripts: 5 prime UTR variant (1), intron variant (1).
Genome position: GRCh38 VCF-style: chr1-68448646-C-CTATACACATCTGT. GRCh37 (hg19) VCF-style: chr1-68914329-C-CTATACACATCTGT.
Other names: c.71_72insACAGATGTGTATA, p.Pro25fs (NM_001406853.1, NM_001406859.1, NM_001406860.1); c.-55_-54insACAGATGTGTATA (NM_001406856.1); c.-183+1248_-183+1249insACAGATGTGTATA (NM_001406857.1); short protein forms P25fs.
Identifiers: ClinVar variation 5010550 (VCV005010550.1).